The following is an entry in ClinVar:

NM_002184.4(IL6ST):c.1043A>G (p.Gln348Arg)

Gene: IL6ST (interleukin 6 cytokine family signal transducer; minus strand). Cytogenetic location: 5q11.2.
Variant type: single nucleotide variant.
Coding change: c.1043A>G on transcript NM_002184.4 (MANE Select); coding-DNA position 1043, A replaced by G.
Protein change: p.Gln348Arg; replaces glutamine 348 with arginine.
Molecular consequence: missense variant. On other transcripts: non-coding transcript variant (2), intron variant (2).
Genome position (GRCh38, 1-based): chr5:55,957,222, T>C on the plus strand (A>G on the coding strand, the complement: IL6ST is on the minus strand). VCF-style: chr5-55957222-T-C. GRCh37 (hg19) VCF-style: chr5-55253050-T-C.
Other names: c.1043A>G, p.Gln348Arg (NM_001190981.2, NM_001364275.2); c.833A>G, p.Gln278Arg (NM_001364276.2); c.176A>G, p.Gln59Arg (NM_001364277.2); c.140A>G, p.Gln47Arg (NM_001364278.2); c.61-987A>G (NM_001364279.2); c.974-987A>G (NM_175767.3); short protein forms Q47R, Q59R, Q278R, Q348R.
Identifiers: ClinVar variation 2072007 (VCV002072007.4), dbSNP rs2533510520, ClinGen allele CA359764659.

ClinVar aggregate classification (germline): Uncertain significance (1 of 4 stars; one submission).

Submission:

Labcorp Genetics (formerly Invitae), Labcorp
Classification: Uncertain significance. Last evaluated: 2021-12-24. Review status: criteria provided, single submitter. Criteria: Invitae Variant Classification Sherloc (09022015). Collection method: clinical testing. Allele origin: germline.
Comment: This sequence change replaces glutamine, which is neutral and polar, with arginine, which is basic and polar, at codon 348 of the IL6ST protein (p.Gln348Arg). This variant is not present in population databases (gnomAD no frequency). This variant has not been reported in the literature in individuals affected with IL6ST-related conditions. Algorithms developed to predict the effect of missense changes on protein structure and function output the following: SIFT: "Tolerated"; PolyPhen-2: "Benign"; Align-GVGD: "Class C0". The arginine amino acid residue is found in multiple mammalian species, which suggests that this missense change does not adversely affect protein function. In summary, the available evidence is currently insufficient to determine the role of this variant in disease. Therefore, it has been classified as a Variant of Uncertain Significance.